The following is an entry in ClinVar:

NM_004667.6(HERC2):c.4811A>C (p.Asp1604Ala)

Gene: HERC2 (HECT and RLD domain containing E3 ubiquitin protein ligase 2; minus strand). Cytogenetic location: 15q13.1.
Variant type: single nucleotide variant.
Coding change: c.4811A>C on transcript NM_004667.6 (MANE Select); coding-DNA position 4811, A replaced by C.
Protein change: p.Asp1604Ala; replaces aspartic acid 1604 with alanine.
Molecular consequence: missense variant.
Genome position (GRCh38, 1-based): chr15:28,229,846, T>G on the plus strand (A>C on the coding strand, the complement: HERC2 is on the minus strand). VCF-style: chr15-28229846-T-G. GRCh37 (hg19) VCF-style: chr15-28474992-T-G.
Other names: c.4811A>C (NM_004667.5); short protein forms D1604A.
Identifiers: ClinVar variation 3376379 (VCV003376379.3).
Genomic context (GRCh38, chr15:28,229,846, plus strand): 5'-TGCTTCAACCACTTGTATTTGTGAACACCTGTAACAGTACTCAACAGCGGCTGCCATTTG[T>G]CCTAACAAAGGAAAACAATTTTCATCATTAGTCTACCCTATTTAATAATAAACTGTGCTC-3'
Protein context (NP_004658.3, residues 1594-1614): KRPIAIKSPK[Asp1604Ala]KWQPLLSTVT

ClinVar aggregate classification (germline): Uncertain significance. Review status: criteria provided, multiple submitters, no conflicts (2 of 4 stars). 2 submissions from 2 submitters: Uncertain significance (2). Last evaluated 2026-04-20.

Conditions:
Developmental delay with autism spectrum disorder and gait instability (MRT38). Also called: Intellectual developmental disorder, autosomal recessive 38. Identifiers: Orphanet 329195, MedGen C3809753, MONDO:0014224, OMIM 615516.

gnomAD v4.1: 177 of 1,191,968 alleles (0.015%); highest among the groups gnomAD compares: African/African-American, 0.24%; 1 homozygote.

Submissions (2):

GeneDx
Classification: Uncertain significance. Last evaluated: 2026-04-20. Review status: criteria provided, single submitter. Criteria: GeneDx Variant Classification Process June 2021. Collection method: clinical testing. Allele origin: germline.
Comment: In silico analysis suggests that this missense variant does not alter protein structure/function; Has not been previously published as pathogenic or benign to our knowledge

Pittsburgh Clinical Genomics Laboratory, University of Pittsburgh Medical Center
Classification: Uncertain significance for Developmental delay with autism spectrum disorder and gait instability. Last evaluated: 2024-01-26. Review status: criteria provided, single submitter. Criteria: ACMG Guidelines, 2015. Collection method: clinical testing. Allele origin: germline. Inheritance: Autosomal recessive inheritance. Affected: yes.
Comment: This sequence variant is a single nucleotide substitution (A>C) at position 4811 of the coding sequence of the HERC2 gene that results in an aspartic acid to alanine amino acid change at residue 1604 of the HECT and RLD domain containing E3 ubiquitin ligase 2 protein. This variant is absent from ClinVar and has not been observed in an individual with a HERC2-related disorder in the published literature, to our knowledge. This variant is present in 129 of 390772 alleles (0.0330%) in the gnomAD population dataset. Multiple bioinformatic tools provide conflicting predictions concerning this amino acid change, though the Asp1604 residue at this position is highly conserved across the vertebrate species examined. Studies examining the functional consequence of this variant have not been published, to our knowledge. At this time, there is insufficient evidence to determine if this variant is pathogenic or benign. Therefore, we consider this a variant of uncertain significance. ACMG Criteria: